The following is an entry in ClinVar:

NM_000321.3(RB1):c.849del (p.Glu282_Cys283insTer)

Gene: RB1 (RB transcriptional corepressor 1; plus strand). Cytogenetic location: 13q14.2.
Variant type: Deletion.
Coding change: c.849del on transcript NM_000321.3 (MANE Select); coding-DNA position 849, one base deleted (T; older notation c.849delT).
Protein change: p.Glu282_Cys283insTer.
Molecular consequence: nonsense.
Genome position (GRCh38, 1-based): chr13:48,362,945, T deleted. VCF-style (leftmost placement, unchanged base first): chr13-48362944-GT-G. GRCh37 (hg19) VCF-style: chr13-48937080-GT-G.
Other names: c.849del, p.Glu282_Cys283insTer (NM_001407165.1, NM_001407166.1).
Identifiers: ClinVar variation 4759392 (VCV004759392.1).

ClinVar aggregate classification (germline): Pathogenic (1 of 4 stars; one submission).

Conditions:
Hereditary retinoblastoma. Identifiers: Orphanet 357027, MedGen C0751483, MONDO:0018160.

Submission:

Ramesar Group, Division of Human Genetics, Institute of Infectious Diseases and Molecular Medicine, UCT/MRC Genomic and Precision Medicine Research Unit, University of Cape Town
Classification: Pathogenic for Hereditary retinoblastoma. Last evaluated: 2025-09-17. Review status: criteria provided, single submitter. Criteria: ACMG Guidelines, 2015. Collection method: research. Allele origin: germline. Affected: yes. Observed: 1 variant allele.
Comment: PVS1: Null variant (nonsense) in a gene (RB1) where LOF is a known mechanism of disease PM2: Absent from gnomAD and ExAC PP4: Patient presents with bilateral retinoblastoma Not in ClinVar or the LOVD